The following is an entry in ClinVar:

NM_015425.6(POLR1A):c.1420C>T (p.Pro474Ser)

Gene: POLR1A (RNA polymerase I subunit A; minus strand). Cytogenetic location: 2p11.2.
Variant type: single nucleotide variant.
Coding change: c.1420C>T on transcript NM_015425.6 (MANE Select); coding-DNA position 1420, C replaced by T.
Protein change: p.Pro474Ser; replaces proline 474 with serine.
Molecular consequence: missense variant.
Genome position (GRCh38, 1-based): chr2:86,075,221, G>A on the plus strand (C>T on the coding strand, the complement: POLR1A is on the minus strand). VCF-style: chr2-86075221-G-A. GRCh37 (hg19) VCF-style: chr2-86302344-G-A.
Other names: short protein forms P474S.
Identifiers: ClinVar variation 3692520 (VCV003692520.2).

ClinVar aggregate classification (germline): Uncertain significance (1 of 4 stars; one submission).

Submission:

Labcorp Genetics (formerly Invitae), Labcorp
Classification: Uncertain significance. Last evaluated: 2024-10-12. Review status: criteria provided, single submitter. Criteria: Invitae Variant Classification Sherloc (09022015). Collection method: clinical testing. Allele origin: germline.
Comment: This sequence change replaces proline, which is neutral and non-polar, with serine, which is neutral and polar, at codon 474 of the POLR1A protein (p.Pro474Ser). This variant is not present in population databases (gnomAD no frequency). This variant has not been reported in the literature in individuals affected with POLR1A-related conditions. Invitae Evidence Modeling of protein sequence and biophysical properties (such as structural, functional, and spatial information, amino acid conservation, physicochemical variation, residue mobility, and thermodynamic stability) indicates that this missense variant is not expected to disrupt POLR1A protein function with a negative predictive value of 80%. In summary, the available evidence is currently insufficient to determine the role of this variant in disease. Therefore, it has been classified as a Variant of Uncertain Significance.